The following is an entry in ClinVar:

NM_001267550.2(TTN):c.100602A>C (p.Lys33534Asn)

Genes: TTN (titin; minus strand), TTN-AS1 (TTN antisense RNA 1; plus strand). Cytogenetic location: 2q31.2.
Variant type: single nucleotide variant.
Coding change: c.100602A>C on transcript NM_001267550.2 (MANE Select); coding-DNA position 100602, A replaced by C.
Protein change: p.Lys33534Asn; replaces lysine 33534 with asparagine.
Molecular consequence: missense variant.
Genome position (GRCh38, 1-based): chr2:178,536,145, T>G on the plus strand (A>C on the coding strand, the complement: TTN is on the minus strand). VCF-style: chr2-178536145-T-G. GRCh37 (hg19) VCF-style: chr2-179400872-T-G.
Other names: c.95679A>C, p.Lys31893Asn (NM_001256850.1); c.73407A>C, p.Lys24469Asn (NM_003319.4); c.92898A>C, p.Lys30966Asn (NM_133378.4); c.73782A>C, p.Lys24594Asn (NM_133432.3); c.73983A>C, p.Lys24661Asn (NM_133437.4); short protein forms K24469N, K33534N, K24661N, K31893N, K24594N, K30966N.
Identifiers: ClinVar variation 519042 (VCV000519042.5), dbSNP rs1553501442, ClinGen allele CA349425303.

ClinVar aggregate classification (germline): Uncertain significance (1 of 4 stars; one submission).

Conditions:
Cardiovascular phenotype. Identifiers: MedGen CN230736.

Submission:

Ambry Genetics
Classification: Uncertain significance for Cardiovascular phenotype. Last evaluated: 2017-10-19. Review status: criteria provided, single submitter. Criteria: Ambry Variant Classification Scheme 2023. Collection method: clinical testing. Allele origin: germline.
Comment: The p.K24469N variant (also known as c.73407A>C), located in coding exon 184 of the TTN gene, results from an A to C substitution at nucleotide position 73407. The lysine at codon 24469 is replaced by asparagine, an amino acid with similar properties. This amino acid position is highly conserved in available vertebrate species. In addition, this alteration is predicted to be tolerated by in silico analysis. Since supporting evidence is limited at this time, the clinical significance of this alteration remains unclear.